The following is an entry in ClinVar:

NM_052844.4(DYNC2I2):c.309T>C (p.Tyr103=)

Gene: DYNC2I2 (dynein 2 intermediate chain 2; minus strand). Cytogenetic location: 9q34.11.
Variant type: single nucleotide variant.
Coding change: c.309T>C on transcript NM_052844.4 (MANE Select); coding-DNA position 309, T replaced by C.
Protein change: p.Tyr103=; no amino-acid change (tyrosine 103 retained).
Molecular consequence: synonymous variant.
Genome position (GRCh38, 1-based): chr9:128,640,817, A>G on the plus strand (T>C on the coding strand, the complement: DYNC2I2 is on the minus strand). VCF-style: chr9-128640817-A-G. GRCh37 (hg19) VCF-style: chr9-131403096-A-G.
Identifiers: ClinVar variation 516212 (VCV000516212.13), dbSNP rs2298045, ClinGen allele CA5266663.

ClinVar aggregate classification (germline): Benign. Review status: criteria provided, multiple submitters, no conflicts (2 of 4 stars). 5 submissions from 5 submitters: Benign (5). Last evaluated 2026-02-04.

Conditions:
Short-rib thoracic dysplasia 11 with or without polydactyly (SRTD11). Also called: SHORT-RIB THORACIC DYSPLASIA 11 WITHOUT POLYDACTYLY. Identifiers: Orphanet 474, Orphanet 93271, MedGen C3810200, MONDO:0014287, OMIM 615633.

Allele frequency attached by ClinVar (database versions not stated): 1000 Genomes Project 0.74002; 1000 Genomes Project 30x 0.74219; TOPMed 0.81469; gnomAD 0.81781 and 0.82136; gnomAD exomes 0.82551 and 0.86509; ExAC 0.82682; ESP Exome Variant Server 0.83546.
gnomAD v4.1: 1,388,114 of 1,614,010 alleles (86%); highest among the groups gnomAD compares: Non-Finnish European, 89%; 600,507 homozygotes.

Submissions (5):

Labcorp Genetics (formerly Invitae), Labcorp
Classification: Benign for Short-rib thoracic dysplasia 11 with or without polydactyly. Last evaluated: 2026-02-04. Review status: criteria provided, single submitter. Criteria: Invitae Variant Classification Sherloc (09022015). Collection method: clinical testing. Allele origin: germline.

Blueprint Genetics
Classification: Benign. Last evaluated: 2024-11-27. Review status: criteria provided, single submitter. Criteria: ACMG Guidelines, 2015. Collection method: clinical testing. Allele origin: germline.

Genome-Nilou Lab
Classification: Benign for Short-rib thoracic dysplasia 11 with or without polydactyly. Last evaluated: 2021-12-05. Review status: criteria provided, single submitter. Criteria: ACMG Guidelines, 2015. Collection method: clinical testing. Allele origin: germline. Affected: no.

GeneDx
Classification: Benign. Last evaluated: 2017-10-26. Review status: criteria provided, single submitter. Criteria: GeneDx Variant Classification (06012015). Collection method: clinical testing. Allele origin: germline. Affected: yes.
Comment: This variant is considered likely benign or benign based on one or more of the following criteria: it is a conservative change, it occurs at a poorly conserved position in the protein, it is predicted to be benign by multiple in silico algorithms, and/or has population frequency not consistent with disease.

Breakthrough Genomics
Classification: Benign. Review status: criteria provided, single submitter. Criteria: ACMG Guidelines, 2015. Collection method: not provided. Allele origin: germline. Inheritance: Autosomal recessive inheritance. Affected: yes.